The following is an entry in ClinVar:

ClinVar aggregate classification (germline): Uncertain significance. Review status: criteria provided, multiple submitters, no conflicts (2 of 4 stars). 2 submissions from 2 submitters: Uncertain significance (2). Last evaluated 2024-10-06.

Conditions:
Brugada syndrome. Also called: Sudden unexplained nocturnal death syndrome; Sudden Unexplained Death Syndrome; Sudden Unexplained Nocturnal Death Syndrome (SUNDS); Sudden unexpected nocturnal death syndrome. Identifiers: Orphanet 130, MedGen C1142166, MONDO:0015263.

gnomAD v4.1: 4 of 1,610,068 alleles (0.00025%); highest among the groups gnomAD compares: Admixed American, 0.0017%; no homozygotes.

Submissions (2):

Labcorp Genetics (formerly Invitae), Labcorp
Classification: Uncertain significance for Brugada syndrome. Last evaluated: 2024-10-06. Review status: criteria provided, single submitter. Criteria: Invitae Variant Classification Sherloc (09022015). Collection method: clinical testing. Allele origin: germline.
Comment: This sequence change replaces serine, which is neutral and polar, with cysteine, which is neutral and slightly polar, at codon 441 of the SLMAP protein (p.Ser441Cys). This variant is present in population databases (rs753655315, gnomAD 0.002%). This variant has not been reported in the literature in individuals affected with SLMAP-related conditions. An algorithm developed to predict the effect of missense changes on protein structure and function (PolyPhen-2) suggests that this variant is likely to be disruptive. In summary, the available evidence is currently insufficient to determine the role of this variant in disease. Therefore, it has been classified as a Variant of Uncertain Significance.

Ambry Genetics
Classification: Uncertain significance. Last evaluated: 2024-10-04. Review status: criteria provided, single submitter. Criteria: Ambry Variant Classification Scheme 2023. Collection method: clinical testing. Allele origin: germline.
Comment: The p.S441C variant (also known as c.1321A>T), located in coding exon 13 of the SLMAP gene, results from an A to T substitution at nucleotide position 1321. The serine at codon 441 is replaced by cysteine, an amino acid with dissimilar properties. This amino acid position is conserved. In addition, the in silico prediction for this alteration is inconclusive. Based on the available evidence, the clinical significance of this variant remains unclear.

NM_001377540.1(SLMAP):c.1423A>T (p.Ser475Cys)

Gene: SLMAP (sarcolemma associated protein; plus strand). Cytogenetic location: 3p14.3.
Variant type: single nucleotide variant.
Coding change: c.1423A>T on transcript NM_001377540.1 (MANE Select); coding-DNA position 1423, A replaced by T.
Protein change: p.Ser475Cys; replaces serine 475 with cysteine.
Molecular consequence: missense variant. On other transcripts: 5 prime UTR variant (7), non-coding transcript variant (1).
Genome position (GRCh38, 1-based): chr3:57,896,573, A>T. VCF-style: chr3-57896573-A-T. GRCh37 (hg19) VCF-style: chr3-57882300-A-T.
Other names: c.-27A>T (NM_001304422.3, NM_001304423.3, NM_001311178.2 and 4 more transcripts); c.1423A>T, p.Ser475Cys (NM_001377538.1, NM_001377539.1, NM_001377555.1); c.1372A>T, p.Ser458Cys (NM_001377541.1, NM_001377542.1, NM_001304420.3 and 2 more transcripts); c.1360A>T, p.Ser454Cys (NM_001377545.1, NM_001377922.1); c.1321A>T, p.Ser441Cys (NM_001377549.1, NM_007159.5, NM_001377923.1); c.1309A>T, p.Ser437Cys (NM_001377924.1, NM_001377551.1, NM_001377552.1); c.1258A>T, p.Ser420Cys (NM_001377925.1, NM_001304421.2, NM_001377557.1 and 1 more transcripts); short protein forms S420C, S437C, S441C, S454C, S458C, S475C.
Identifiers: ClinVar variation 3445708 (VCV003445708.3).